The following is an entry in ClinVar:

NM_001641.4(APEX1):c.444T>G (p.Asp148Glu)

Gene: APEX1 (apurinic/apyrimidinic endodeoxyribonuclease 1; plus strand). Cytogenetic location: 14q11.2.
Variant type: single nucleotide variant.
Coding change: c.444T>G on transcript NM_001641.4 (MANE Select); coding-DNA position 444, T replaced by G.
Protein change: p.Asp148Glu; replaces aspartic acid 148 with glutamic acid.
Molecular consequence: missense variant.
Genome position (GRCh38, 1-based): chr14:20,456,995, T>G. VCF-style: chr14-20456995-T-G. GRCh37 (hg19) VCF-style: chr14-20925154-T-G.
Other names: c.444T>G, p.Asp148Glu (NM_001244249.2, NM_080648.3, NM_080649.3); short protein forms D148E.
Identifiers: ClinVar variation 1297236 (VCV001297236.5), dbSNP rs1130409, ClinGen allele CA7081564.
Genomic context (GRCh38, chr14:20,456,995, plus strand): 5'-TGATTGCTTTCCCTTTTCTTATAGTTTTTTATGCTAATTCTGTTTCATTTCTATAGGCGA[T>G]GAGGAGCATGATCAGGAAGGCCGGGTGATTGTGGCTGAATTTGACTCGTTTGTGCTGGTA-3'
Protein context (NP_001632.2, residues 138-158): CPLKVSYGIG[Asp148Glu]EEHDQEGRVI

ClinVar aggregate classification (germline): Benign. Review status: criteria provided, multiple submitters, no conflicts (2 of 4 stars). 3 submissions from 3 submitters: Benign (2). 1 of the submissions does not count toward it. Last evaluated 2021-06-09.

Conditions:
APEX1-related disorder. Also called: APEX1-related condition.

Allele frequency attached by ClinVar (database versions not stated): 1000 Genomes Project 0.37560; 1000 Genomes Project 30x 0.37586; TOPMed 0.42280; gnomAD 0.42816 and 0.43387; ESP Exome Variant Server 0.43557.
gnomAD v4.1: 729,633 of 1,612,734 alleles (45%); highest among the groups gnomAD compares: Non-Finnish European, 48%; 169,093 homozygotes.

Submissions (3):

GeneDx
Classification: Benign. Last evaluated: 2021-06-09. Review status: criteria provided, single submitter. Criteria: GeneDx Variant Classification Process June 2021. Collection method: clinical testing. Allele origin: germline. Affected: yes.
Comment: This variant is associated with the following publications: (PMID: 24892639, 24076439, 23038158, 20530453, 21198260, 16621887, 17028303, 22466227, 23369758, 22184996, 22224629, 22193858, 18823566, 21538578, 19762350, 11024165, 19041121, 10371543, 23776569, 27050370, 24310503, 24523018, 26257461)

Breakthrough Genomics
Classification: Benign. Review status: criteria provided, single submitter. Criteria: ACMG Guidelines, 2015. Collection method: not provided. Allele origin: germline. Inheritance: Unknown mechanism. Affected: yes.

PreventionGenetics, part of Exact Sciences
Classification: Benign for APEX1-related condition. Last evaluated: 2019-10-17. Review status: no assertion criteria provided. Collection method: clinical testing. Allele origin: germline. Not counted in ClinVar's aggregate classification.
Comment: This variant is classified as benign based on ACMG/AMP sequence variant interpretation guidelines (Richards et al. 2015 PMID: 25741868, with internal and published modifications).